The following is an entry in ClinVar:

ClinVar aggregate classification (germline): Uncertain significance (1 of 4 stars; one submission).

Conditions:
Peroxisome biogenesis disorder 2B (PBD2B). Identifiers: Orphanet 44, MedGen C3550234, MONDO:0008736, OMIM 202370.

Allele frequency attached by ClinVar (database versions not stated): gnomAD 0.00001; gnomAD exomes 0.00002; TOPMed 0.00002.
gnomAD v4.1: 32 of 1,613,914 alleles (0.002%); highest among the groups gnomAD compares: South Asian, 0.012%; no homozygotes.

Submission:

Labcorp Genetics (formerly Invitae), Labcorp
Classification: Uncertain significance for Peroxisome biogenesis disorder 2B. Last evaluated: 2022-06-16. Review status: criteria provided, single submitter. Criteria: Invitae Variant Classification Sherloc (09022015). Collection method: clinical testing. Allele origin: germline.
Comment: This sequence change replaces arginine, which is basic and polar, with tryptophan, which is neutral and slightly polar, at codon 480 of the PEX5 protein (p.Arg480Trp). This variant is present in population databases (no rsID available, gnomAD 0.003%). This variant has not been reported in the literature in individuals affected with PEX5-related conditions. Algorithms developed to predict the effect of missense changes on protein structure and function are either unavailable or do not agree on the potential impact of this missense change (SIFT: "Tolerated"; PolyPhen-2: "Possibly Damaging"; Align-GVGD: "Class C0"). In summary, the available evidence is currently insufficient to determine the role of this variant in disease. Therefore, it has been classified as a Variant of Uncertain Significance.

NM_001351132.2(PEX5):c.1438C>T (p.Arg480Trp)

Gene: PEX5 (peroxisomal biogenesis factor 5; plus strand). Cytogenetic location: 12p13.31.
Variant type: single nucleotide variant.
Coding change: c.1438C>T on transcript NM_001351132.2 (MANE Select); coding-DNA position 1438, C replaced by T.
Protein change: p.Arg480Trp; replaces arginine 480 with tryptophan.
Molecular consequence: missense variant.
Genome position (GRCh38, 1-based): chr12:7,209,048, C>T. VCF-style: chr12-7209048-C-T. GRCh37 (hg19) VCF-style: chr12-7361644-C-T.
Other names: c.1414C>T, p.Arg472Trp (NM_000319.5); c.1483C>T, p.Arg495Trp (NM_001131023.2); c.1327C>T, p.Arg443Trp (NM_001131024.2, NM_001351124.3, NM_001351126.2 and 7 more transcripts); c.1438C>T, p.Arg480Trp (NM_001131025.2, NM_001131026.2, NM_001300789.3 and 4 more transcripts); c.1372C>T, p.Arg458Trp (NM_001351135.3, NM_001351138.2); c.1429C>T, p.Arg477Trp (NM_001351136.2); c.1303C>T, p.Arg435Trp (NM_001351139.2, NM_001351140.2, NM_001374649.2); short protein forms R458W, R472W, R477W, R435W, R480W, R495W, R443W.
Identifiers: ClinVar variation 1982532 (VCV001982532.1), dbSNP rs1216196909, ClinGen allele CA383734823.